The following is an entry in ClinVar:

ClinVar aggregate classification (germline): Uncertain significance (1 of 4 stars; one submission).

Conditions:
Familial cancer of breast. Also called: hereditary breast carcinoma; BREAST CANCER, FAMILIAL; Hereditary breast cancer. Identifiers: Orphanet 227535, MedGen C0346153, MONDO:0016419, OMIM 114480. Disease mechanism: loss of function.

Submission:

Labcorp Genetics (formerly Invitae), Labcorp
Classification: Uncertain significance for Familial cancer of breast. Last evaluated: 2023-05-19. Review status: criteria provided, single submitter. Criteria: Invitae Variant Classification Sherloc (09022015). Collection method: clinical testing. Allele origin: germline.
Comment: This variant has not been reported in the literature in individuals affected with BARD1-related conditions. This variant is not present in population databases (gnomAD no frequency). This sequence change replaces serine, which is neutral and polar, with threonine, which is neutral and polar, at codon 344 of the BARD1 protein (p.Ser344Thr). ClinVar contains an entry for this variant (Variation ID: 569235). In summary, the available evidence is currently insufficient to determine the role of this variant in disease. Therefore, it has been classified as a Variant of Uncertain Significance. Algorithms developed to predict the effect of missense changes on protein structure and function output the following: SIFT: "Not Available"; PolyPhen-2: "Benign"; Align-GVGD: "Not Available". The threonine amino acid residue is found in multiple mammalian species, which suggests that this missense change does not adversely affect protein function.

NM_000465.4(BARD1):c.1031G>C (p.Ser344Thr)

Gene: BARD1 (BRCA1 associated RING domain 1; minus strand). Cytogenetic location: 2q35.
Variant type: single nucleotide variant.
Coding change: c.1031G>C on transcript NM_000465.4 (MANE Select); coding-DNA position 1031, G replaced by C.
Protein change: p.Ser344Thr; replaces serine 344 with threonine.
Molecular consequence: missense variant. On other transcripts: non-coding transcript variant (2), intron variant (3).
Genome position (GRCh38, 1-based): chr2:214,780,843, C>G on the plus strand (G>C on the coding strand, the complement: BARD1 is on the minus strand). VCF-style: chr2-214780843-C-G. GRCh37 (hg19) VCF-style: chr2-215645567-C-G.
Other names: c.974G>C, p.Ser325Thr (NM_001282543.2); c.159-28288G>C (NM_001282548.2); c.215+16218G>C (NM_001282545.2); c.364+11454G>C (NM_001282549.2); short protein forms S344T, S325T.
Identifiers: ClinVar variation 569235 (VCV000569235.9), dbSNP rs1559424187, ClinGen allele CA350454261.